The following is an entry in ClinVar:

NM_006231.4(POLE):c.3204G>C (p.Met1068Ile)

Gene: POLE (DNA polymerase epsilon, catalytic subunit; minus strand). Cytogenetic location: 12q24.33.
Variant type: single nucleotide variant.
Coding change: c.3204G>C on transcript NM_006231.4 (MANE Select); coding-DNA position 3204, G replaced by C.
Protein change: p.Met1068Ile; replaces methionine 1068 with isoleucine.
Molecular consequence: missense variant.
Genome position (GRCh38, 1-based): chr12:132,659,366, C>G on the plus strand (G>C on the coding strand, the complement: POLE is on the minus strand). VCF-style: chr12-132659366-C-G. GRCh37 (hg19) VCF-style: chr12-133235952-C-G.
Other names: short protein forms M1068I.
Identifiers: ClinVar variation 1728854 (VCV001728854.5), dbSNP rs2138675727, ClinGen allele CA387390550.

ClinVar aggregate classification (germline): Uncertain significance. Review status: criteria provided, multiple submitters, no conflicts (2 of 4 stars). 2 submissions from 2 submitters: Uncertain significance (2). Last evaluated 2023-06-28.

Conditions:
Hereditary cancer-predisposing syndrome. Also called: Tumor predisposition; Neoplastic Syndromes, Hereditary; Hereditary Cancer Syndrome; Hereditary neoplastic syndrome. Identifiers: Orphanet 140162, MedGen C0027672, MeSH D009386, MONDO:0015356.

Submissions (2):

Labcorp Genetics (formerly Invitae), Labcorp
Classification: Uncertain significance. Last evaluated: 2023-06-28. Review status: criteria provided, single submitter. Criteria: Invitae Variant Classification Sherloc (09022015). Collection method: clinical testing. Allele origin: germline.
Comment: In summary, the available evidence is currently insufficient to determine the role of this variant in disease. Therefore, it has been classified as a Variant of Uncertain Significance. Advanced modeling of protein sequence and biophysical properties (such as structural, functional, and spatial information, amino acid conservation, physicochemical variation, residue mobility, and thermodynamic stability) performed at Invitae indicates that this missense variant is not expected to disrupt POLE protein function. ClinVar contains an entry for this variant (Variation ID: 1728854). This variant has not been reported in the literature in individuals affected with POLE-related conditions. This variant is not present in population databases (gnomAD no frequency). This sequence change replaces methionine, which is neutral and non-polar, with isoleucine, which is neutral and non-polar, at codon 1068 of the POLE protein (p.Met1068Ile).

Ambry Genetics
Classification: Uncertain significance for Hereditary cancer-predisposing syndrome. Last evaluated: 2021-09-20. Review status: criteria provided, single submitter. Criteria: Ambry Variant Classification Scheme 2023. Collection method: clinical testing. Allele origin: germline.
Comment: The p.M1068I variant (also known as c.3204G>C), located in coding exon 26 of the POLE gene, results from a G to C substitution at nucleotide position 3204. The methionine at codon 1068 is replaced by isoleucine, an amino acid with highly similar properties. This amino acid position is conserved. In addition, the in silico prediction for this alteration is inconclusive. Since supporting evidence is limited at this time, the clinical significance of this alteration remains unclear.